The following is an entry in ClinVar:

NM_001378778.1(MPDZ):c.3823C>T (p.Gln1275Ter)

Gene: MPDZ (multiple PDZ domain crumbs cell polarity complex component; minus strand). Cytogenetic location: 9p23.
Variant type: single nucleotide variant.
Coding change: c.3823C>T on transcript NM_001378778.1 (MANE Select); coding-DNA position 3823, C replaced by T.
Protein change: p.Gln1275Ter; replaces glutamine 1275 with a stop codon.
Molecular consequence: nonsense. On other transcripts: intron variant (14).
Genome position (GRCh38, 1-based): chr9:13,143,483, G>A on the plus strand (C>T on the coding strand, the complement: MPDZ is on the minus strand). VCF-style: chr9-13143483-G-A. GRCh37 (hg19) VCF-style: chr9-13143482-G-A.
Other names: c.3823C>T, p.Gln1275Ter (NM_001330637.2, NM_001375413.1, NM_003829.5); c.3631-3334C>T (NM_001375425.1, NM_001375420.1, NM_001375423.1 and 4 more transcripts); c.3742-3334C>T (NM_001375419.1, NM_001375416.1, NM_001375418.1 and 3 more transcripts); c.3433-3334C>T (NM_001375427.1); short protein forms Q1275*.
Identifiers: ClinVar variation 4984845 (VCV004984845.1).
Genomic context (GRCh38, chr9:13,143,483, plus strand): 5'-TTGCAAAAGGCAACCAACAGCAAGACAATGGGCATTATCCAACCTTGTCGGCGTTGATTT[G>A]TAGAGAGTCAGCAAATGGGTTAGTGCTGCTGAAGTTGTACTTAGGGTAAAGGTTGTGCAG-3'

ClinVar aggregate classification (germline): Likely pathogenic (1 of 4 stars; one submission).

Conditions:
MPDZ-related disorder. Also called: MPDZ-related condition.

gnomAD v4.1: 2 of 1,612,480 alleles (0.00012%); highest among the groups gnomAD compares: Non-Finnish European, 0.00017%; no homozygotes.

Submission:

PreventionGenetics, part of Exact Sciences
Classification: Likely pathogenic for MPDZ-related condition. Last evaluated: 2025-10-23. Review status: criteria provided, single submitter. Criteria: ACMG Guidelines, 2015. Collection method: clinical testing. Allele origin: germline.
Comment: The MPDZ c.3823C>T variant is predicted to result in premature protein termination (p.Gln1275*). To our knowledge, this variant has not been reported in the literature or in a large population database (gnomAD), indicating this variant is rare. Nonsense variants in MPDZ are expected to be pathogenic. This variant is interpreted as likely pathogenic.